The following is an entry in ClinVar:

ClinVar aggregate classification (germline): Likely benign (0 of 4 stars; one submission).

Conditions:
E2F1-related disorder. Also called: E2F1-related condition.

Allele frequency attached by ClinVar (database versions not stated): 1000 Genomes Project 0.00020; 1000 Genomes Project 30x 0.00031; ESP Exome Variant Server 0.00038; gnomAD 0.00046; TOPMed 0.00046; ExAC 0.00066.
gnomAD v4.1: 738 of 1,603,292 alleles (0.046%); highest among the groups gnomAD compares: Middle Eastern, 0.28%; no homozygotes.

Submission:

PreventionGenetics, part of Exact Sciences
Classification: Likely benign for E2F1-related condition. Last evaluated: 2019-09-10. Review status: no assertion criteria provided. Collection method: clinical testing. Allele origin: germline.
Comment: This variant is classified as likely benign based on ACMG/AMP sequence variant interpretation guidelines (Richards et al. 2015 PMID: 25741868, with internal and published modifications).

NM_005225.3(E2F1):c.1245C>T (p.Leu415=)

Gene: E2F1 (E2F transcription factor 1; minus strand). Cytogenetic location: 20q11.22.
Variant type: single nucleotide variant.
Coding change: c.1245C>T on transcript NM_005225.3 (MANE Select); coding-DNA position 1245, C replaced by T.
Protein change: p.Leu415=; no amino-acid change (leucine 415 retained).
Molecular consequence: synonymous variant.
Genome position (GRCh38, 1-based): chr20:33,676,801, G>A on the plus strand (C>T on the coding strand, the complement: E2F1 is on the minus strand). VCF-style: chr20-33676801-G-A. GRCh37 (hg19) VCF-style: chr20-32264607-G-A.
Identifiers: ClinVar variation 3050503 (VCV003050503.2), dbSNP rs147013405, ClinGen allele CA9818538.
Genomic context (GRCh38, chr20:33,676,801, plus strand): 5'-CAGGGGGGTGAGGTCCCCAAAGTCACAGTCGAAGAGGTCTCTGATGCCCTCGCCCTCCTC[G>A]AGGCCGAAGTGGTAGTCGAGGGCCTCGTGGGGTGGGGAAAGGCTGATGAACTCCTCAGGG-3'
Protein context (NP_005216.1, residues 405-425): PHEALDYHFG[Leu415=]EEGEGIRDLF